The following is an entry in ClinVar:

NM_004415.4(DSP):c.2878-2A>T

Gene: DSP (desmoplakin; plus strand). Cytogenetic location: 6p24.3.
Variant type: single nucleotide variant.
Coding change: c.2878-2A>T on transcript NM_004415.4 (MANE Select); the canonical splice acceptor site of the intron before coding-DNA position 2878, A replaced by T.
Molecular consequence: splice acceptor variant.
Genome position (GRCh38, 1-based): chr6:7,577,777, A>T. VCF-style: chr6-7577777-A-T. GRCh37 (hg19) VCF-style: chr6-7578010-A-T.
Other names: c.2878-2A>T (NM_001319034.2, NM_001008844.3).
Identifiers: ClinVar variation 925163 (VCV000925163.4), dbSNP rs1759285602, ClinGen allele CA362682345.
Genomic context (GRCh38, chr6:7,577,777, plus strand): 5'-GCTGTTAGTGATGCTTTTTAAGTCTATGAAGGACACTTTTCTTAAACTTCATTATGCTGC[A>T]GGATTATGAGCTCCAGCTGGCCTCATACACCTCAGGACTGGAAACTCTGCTGAACATACC-3'

ClinVar aggregate classification (germline): Uncertain significance (1 of 4 stars; one submission).

Conditions:
Cardiomyopathy (CMYO). Also called: Cardiomyopathies. Identifiers: Orphanet 167848, MedGen C0878544, MONDO:0004994, HP:0001638. Inheritance: Various modes of inheritance.

Submission:

Color Diagnostics, LLC DBA Color Health
Classification: Uncertain significance for Cardiomyopathy. Last evaluated: 2025-04-25. Review status: criteria provided, single submitter. Criteria: ACMG Guidelines, 2015. Collection method: clinical testing. Allele origin: germline.
Comment: This variant causes a single nucleotide substitution at -2 position of intron 20 of the DSP gene. To our knowledge, functional studies have not been reported for this variant. This variant has not been reported in individuals affected with DSP-related disorders in the literature. This variant has not been identified in the general population by the Genome Aggregation Database (gnomAD). The available evidence is insufficient to determine the role of this variant in disease conclusively. Therefore, this variant is classified as a Variant of Uncertain Significance.